The following is an entry in ClinVar:

ClinVar aggregate classification (germline): Uncertain significance (1 of 4 stars; one submission).

Submission:

GeneDx
Classification: Uncertain significance. Last evaluated: 2024-08-12. Review status: criteria provided, single submitter. Criteria: GeneDx Variant Classification Process June 2021. Collection method: clinical testing. Allele origin: germline. Affected: yes.
Comment: Not observed at significant frequency in large population cohorts (gnomAD); In silico analysis supports that this missense variant has a deleterious effect on protein structure/function; Has not been previously published as pathogenic or benign to our knowledge

NM_000719.7(CACNA1C):c.4669A>G (p.Met1557Val)

Genes: CACNA1C (calcium voltage-gated channel subunit alpha1 C; plus strand), CACNA1C-AS2 (CACNA1C antisense RNA 2; minus strand). Cytogenetic location: 12p13.33.
Variant type: single nucleotide variant.
Coding change: c.4669A>G on transcript NM_000719.7 (MANE Select); coding-DNA position 4669, A replaced by G.
Protein change: p.Met1557Val; replaces methionine 1557 with valine.
Molecular consequence: missense variant. On other transcripts: non-coding transcript variant (1).
Genome position (GRCh38, 1-based): chr12:2,668,978, A>G. VCF-style: chr12-2668978-A-G. GRCh37 (hg19) VCF-style: chr12-2778144-A-G.
Other names: c.4813A>G, p.Met1605Val (NM_001129827.2, NM_199460.4); c.4735A>G, p.Met1579Val (NM_001129829.2); c.4669A>G, p.Met1557Val (NM_001129830.3, NM_001129833.2, NM_001129834.2 and 7 more transcripts); c.4753A>G, p.Met1585Val (NM_001129831.2); c.4729A>G, p.Met1577Val (NM_001129832.2); c.4720A>G, p.Met1574Val (NM_001129836.2); c.4636A>G, p.Met1546Val (NM_001129837.2, NM_001129838.2, NM_001129846.2 and 1 more transcripts); c.4630A>G, p.Met1544Val (NM_001129839.2); and 1 more; short protein forms M1546V, M1574V, M1577V, M1579V, M1605V, M1544V, M1554V, M1585V.
Identifiers: ClinVar variation 3731155 (VCV003731155.1).